The following is an entry in ClinVar:

NM_001267550.2(TTN):c.48489del (p.Lys16163fs)

Genes: TTN (titin; minus strand), TTN-AS1 (TTN antisense RNA 1; plus strand). Cytogenetic location: 2q31.2.
Variant type: Deletion.
Coding change: c.48489del on transcript NM_001267550.2 (MANE Select); coding-DNA position 48489, one base deleted (A; older notation c.48489delA).
Protein change: p.Lys16163fs; shifts the reading frame from lysine 16163.
Molecular consequence: frameshift variant.
Genome position (GRCh38, 1-based): chr2:178,615,456, T deleted on the plus strand (A on the coding strand, the reverse complement: TTN is on the minus strand); the first of 3 consecutive T bases (chr2:178,615,456-178,615,458); deleting any one gives the same sequence. VCF-style (leftmost placement, unchanged base first): chr2-178615455-AT-A. GRCh37 (hg19) VCF-style: chr2-179480182-AT-A.
Other names: c.21294delA (NM_003319.4); c.43566del, p.Lys14522fs (NM_001256850.1); c.21294del, p.Lys7098fs (NM_003319.4); c.40785del, p.Lys13595fs (NM_133378.4); c.21669del, p.Lys7223fs (NM_133432.3); c.21870del, p.Lys7290fs (NM_133437.4); short protein forms K13595fs, K14522fs, K16163fs, K7098fs, K7223fs, K7290fs.
Identifiers: ClinVar variation 3759631 (VCV003759631.3).

ClinVar aggregate classification (germline): Likely pathogenic. Review status: criteria provided, multiple submitters, no conflicts (2 of 4 stars). 2 submissions from 2 submitters: Likely pathogenic (2). Last evaluated 2025-10-02.

Conditions:
Dilated cardiomyopathy 1G (CMD1G). Identifiers: Orphanet 154, MedGen C1858763, MONDO:0011400, OMIM 604145.
Autosomal recessive limb-girdle muscular dystrophy type 2J (LGMDR10). Also called: Limb-girdle muscular dystrophy, type 2J; MUSCULAR DYSTROPHY, LIMB-GIRDLE, AUTOSOMAL RECESSIVE 10. Identifiers: Orphanet 140922, MedGen C1837342, MONDO:0012127, OMIM 608807.
Cardiovascular phenotype. Identifiers: MedGen CN230736.

Submissions (2):

Ambry Genetics
Classification: Likely pathogenic for Cardiovascular phenotype. Last evaluated: 2025-10-02. Review status: criteria provided, single submitter. Criteria: Ambry Variant Classification Scheme 2023. Collection method: clinical testing. Allele origin: germline.
Comment: The c.21294delA variant, located in coding exon 86 of the TTN gene, results from a deletion of one nucleotide at nucleotide position 21294, causing a translational frameshift with a predicted alternate stop codon (p.K7098Nfs*12). This exon is located in the A-band region of the N2-B isoform of the titin protein and is constitutively expressed in TTN transcripts (percent spliced in or PSI 100%). This variant is considered to be rare based on population cohorts in the Genome Aggregation Database (gnomAD). This variant is expected to result in loss of function by premature protein truncation or nonsense-mediated mRNA decay. While truncating variants in TTN are present in 1-3% of the general population, truncating variants in the A-band are the most common cause of dilated cardiomyopathy (Herman DS et al. N. Engl. J. Med., 2012 Feb;366:619-28; Roberts AM et al. Sci Transl Med, 2015 Jan;7:270ra6). TTN truncating variants encoded in constitutive exons (PSI >90%) have been found to be significantly associated with DCM regardless of their position in titin (Schafer S et al. Nat. Genet., 2017 01;49:46-53; Akhtar MM et al. Circ Heart Fail, 2020 Oct;13:e006832; Massier M et al. Clin Genet, 2025 Jan). Based on the majority of available evidence to date, this variant is likely to be pathogenic.

Labcorp Genetics (formerly Invitae), Labcorp
Classification: Likely pathogenic for Dilated cardiomyopathy 1G; Autosomal recessive limb-girdle muscular dystrophy type 2J. Last evaluated: 2024-10-30. Review status: criteria provided, single submitter. Criteria: Invitae Variant Classification Sherloc (09022015). Collection method: clinical testing. Allele origin: germline.
Comment: This sequence change creates a premature translational stop signal (p.Lys16163Asnfs*12) in the TTN gene. While this is not anticipated to result in nonsense mediated decay, it is expected to create a truncated TTN protein. This variant is not present in population databases (gnomAD no frequency). This variant has not been reported in the literature in individuals affected with TTN-related conditions. This variant is located in the A band of TTN (PMID: 25589632). Truncating variants in this region are significantly overrepresented in patients affected with dilated cardiomyopathy (PMID: 25589632). Truncating variants in this region have also been reported in individuals affected with autosomal recessive centronuclear myopathy (PMID: 23975875). In summary, the currently available evidence indicates that the variant is pathogenic, but additional data are needed to prove that conclusively. Therefore, this variant has been classified as Likely Pathogenic.

Literature cited by the submitters: PubMed 25589632 (cited by Labcorp Genetics (formerly Invitae), Labcorp); PubMed 23975875 (cited by Labcorp Genetics (formerly Invitae), Labcorp).